The following is an entry in ClinVar:

ClinVar aggregate classification (germline): Uncertain significance. Review status: criteria provided, multiple submitters, no conflicts (2 of 4 stars). 2 submissions from 2 submitters: Uncertain significance (2). Last evaluated 2026-07-29.

Conditions:
Hereditary cancer-predisposing syndrome. Also called: Tumor predisposition; Hereditary neoplastic syndrome; Hereditary Cancer Syndrome; Neoplastic Syndromes, Hereditary. Identifiers: Orphanet 140162, MedGen C0027672, MeSH D009386, MONDO:0015356.

Submissions (2):

Ambry Genetics
Classification: Uncertain significance for Hereditary cancer-predisposing syndrome. Last evaluated: 2026-07-29. Review status: criteria provided, single submitter. Criteria: Ambry Variant Classification Scheme 2023. Collection method: clinical testing. Allele origin: germline.
Comment: The p.H92R variant (also known as c.275A>G), located in coding exon 3 of the CDH1 gene, results from an A to G substitution at nucleotide position 275. The histidine at codon 92 is replaced by arginine, an amino acid with highly similar properties. This amino acid position is well conserved in available vertebrate species. In addition, this alteration is predicted to be tolerated by in silico analysis. Based on the available evidence, the clinical significance of this variant remains unclear.

Women's Health and Genetics/Laboratory Corporation of America, LabCorp
Classification: Uncertain significance. Last evaluated: 2024-12-23. Review status: criteria provided, single submitter. Criteria: LabCorp Variant Classification Summary - May 2015. Collection method: clinical testing. Allele origin: germline.

NM_004360.5(CDH1):c.275A>G (p.His92Arg)

Gene: CDH1 (cadherin 1; plus strand). Cytogenetic location: 16q22.1.
Variant type: single nucleotide variant.
Coding change: c.275A>G on transcript NM_004360.5 (MANE Select); coding-DNA position 275, A replaced by G.
Protein change: p.His92Arg; replaces histidine 92 with arginine.
Molecular consequence: missense variant. On other transcripts: 5 prime UTR variant (2).
Genome position (GRCh38, 1-based): chr16:68,801,781, A>G. VCF-style: chr16-68801781-A-G. GRCh37 (hg19) VCF-style: chr16-68835684-A-G.
Other names: c.275A>G, p.His92Arg (NM_001317184.2); c.-1341A>G (NM_001317185.2); c.-1545A>G (NM_001317186.2); short protein forms H92R.
Identifiers: ClinVar variation 3768484 (VCV003768484.2).
Genomic context (GRCh38, chr16:68,801,781, plus strand): 5'-ACACCCGATTCAAAGTGGGCACAGATGGTGTGATTACAGTCAAAAGGCCTCTACGGTTTC[A>G]TAACCCACAGATCCATTTCTTGGTCTACGCCTGGGACTCCACCTACAGAAAGTTTTCCAC-3'
Protein context (NP_004351.1, residues 82-102): VITVKRPLRF[His92Arg]NPQIHFLVYA